The following is an entry in ClinVar:

ClinVar aggregate classification (germline): Uncertain significance (1 of 4 stars; one submission).

Conditions:
Cardiovascular phenotype. Identifiers: MedGen CN230736.

Submission:

Ambry Genetics
Classification: Uncertain significance for Cardiovascular phenotype. Last evaluated: 2023-07-31. Review status: criteria provided, single submitter. Criteria: Ambry Variant Classification Scheme 2023. Collection method: clinical testing. Allele origin: germline.
Comment: The p.K1998M variant (also known as c.5993A>T), located in coding exon 8 of the ALMS1 gene, results from an A to T substitution at nucleotide position 5993. The lysine at codon 1998 is replaced by methionine, an amino acid with similar properties. This amino acid position is not well conserved in available vertebrate species. In addition, this alteration is predicted to be tolerated by in silico analysis. Since supporting evidence is limited at this time, the clinical significance of this alteration remains unclear.

NM_001378454.1(ALMS1):c.5990A>T (p.Lys1997Met)

Gene: ALMS1 (ALMS1 centrosome and basal body associated protein; plus strand). Cytogenetic location: 2p13.1.
Variant type: single nucleotide variant.
Coding change: c.5990A>T on transcript NM_001378454.1 (MANE Select); coding-DNA position 5990, A replaced by T.
Protein change: p.Lys1997Met; replaces lysine 1997 with methionine.
Molecular consequence: missense variant.
Genome position (GRCh38, 1-based): chr2:73,452,517, A>T. VCF-style: chr2-73452517-A-T. GRCh37 (hg19) VCF-style: chr2-73679644-A-T.
Other names: c.5993A>T, p.Lys1998Met (NM_015120.4); short protein forms K1998M, K1997M.
Identifiers: ClinVar variation 2626191 (VCV002626191.2), dbSNP rs150331660, ClinGen allele CA347284292.